The following is an entry in ClinVar:

ClinVar aggregate classification (germline): Benign. Review status: criteria provided, multiple submitters, no conflicts (2 of 4 stars). 3 submissions from 3 submitters: Benign (3). Last evaluated 2026-06-22.

Conditions:
SPRTN-related disorder. Also called: SPRTN-related condition.

Allele frequency attached by ClinVar (database versions not stated): gnomAD exomes 0.00321; ExAC 0.00419; gnomAD 0.01250 and 0.01339; TOPMed 0.01364; 1000 Genomes Project 0.01518; ESP Exome Variant Server 0.01699; 1000 Genomes Project 30x 0.01718.
gnomAD v4.1: 3,903 of 1,614,078 alleles (0.24%); highest among the groups gnomAD compares: African/African-American, 4.4%; 76 homozygotes.

Submissions (3):

PreventionGenetics, part of Exact Sciences
Classification: Benign for SPRTN-related condition. Last evaluated: 2026-06-22. Review status: criteria provided, single submitter. Criteria: ACMG Guidelines, 2015. Collection method: clinical testing. Allele origin: germline.
Comment: This variant is classified as benign based on ACMG/AMP sequence variant interpretation guidelines (Richards et al. 2015 PMID: 25741868, with internal and published modifications).

Labcorp Genetics (formerly Invitae), Labcorp
Classification: Benign. Last evaluated: 2019-12-31. Review status: criteria provided, single submitter. Criteria: Invitae Variant Classification Sherloc (09022015). Collection method: clinical testing. Allele origin: germline.

Breakthrough Genomics
Classification: Benign. Review status: criteria provided, single submitter. Criteria: ACMG Guidelines, 2015. Collection method: not provided. Allele origin: germline. Inheritance: Autosomal recessive inheritance. Affected: yes.

NM_032018.7(SPRTN):c.534G>A (p.Pro178=)

Gene: SPRTN (SprT-like N-terminal domain; plus strand). Cytogenetic location: 1q42.2.
Variant type: single nucleotide variant.
Coding change: c.534G>A on transcript NM_032018.7 (MANE Select); coding-DNA position 534, G replaced by A.
Protein change: p.Pro178=; no amino-acid change (proline 178 retained).
Molecular consequence: synonymous variant.
Genome position (GRCh38, 1-based): chr1:231,351,387, G>A. VCF-style: chr1-231351387-G-A. GRCh37 (hg19) VCF-style: chr1-231487133-G-A.
Other names: c.534G>A, p.Pro178= (NM_001010984.4); c.405G>A, p.Pro135= (NM_001261462.3).
Identifiers: ClinVar variation 780327 (VCV000780327.6), dbSNP rs73116379, ClinGen allele CA1452738.
Genomic context (GRCh38, chr1:231,351,387, plus strand): 5'-GGTGGATGAGTATCGGCGACACTGGTGGCGCTGCAATGGGCCGTGCCAGCACAGGCCACC[G>A]TATTACGGCTATGTCAAACGAGCTACTAACAGGGAACCCTCTGCTCATGACTATTGGTGG-3'
Protein context (NP_114407.3, residues 168-188): RCNGPCQHRP[Pro178=]YYGYVKRATN